The following is an entry in ClinVar:

ClinVar aggregate classification (germline): Uncertain significance (1 of 4 stars; one submission).

Conditions:
Immunodeficiency 67. Also called: Immunodeficiency due to interleukin-1 receptor-associated kinase-4 deficiency. Identifiers: Orphanet 70592, MedGen C1843256, MONDO:0011888, OMIM 607676.

Allele frequency attached by ClinVar (database versions not stated): gnomAD exomes below 0.00001.

Submission:

Labcorp Genetics (formerly Invitae), Labcorp
Classification: Uncertain significance for Immunodeficiency 67. Last evaluated: 2021-08-26. Review status: criteria provided, single submitter. Criteria: Invitae Variant Classification Sherloc (09022015). Collection method: clinical testing. Allele origin: germline.
Comment: This sequence change replaces lysine with arginine at codon 290 of the IRAK4 protein (p.Lys290Arg). The lysine residue is weakly conserved and there is a small physicochemical difference between lysine and arginine. This variant is not present in population databases (ExAC no frequency). This variant has not been reported in the literature in individuals affected with IRAK4-related conditions. Algorithms developed to predict the effect of missense changes on protein structure and function output the following: SIFT: "Tolerated"; PolyPhen-2: "Benign"; Align-GVGD: "Class C0". The arginine amino acid residue is found in multiple mammalian species, which suggests that this missense change does not adversely affect protein function. In summary, the available evidence is currently insufficient to determine the role of this variant in disease. Therefore, it has been classified as a Variant of Uncertain Significance.

NM_016123.4(IRAK4):c.869A>G (p.Lys290Arg)

Gene: IRAK4 (interleukin 1 receptor associated kinase 4; plus strand). Cytogenetic location: 12q12.
Variant type: single nucleotide variant.
Coding change: c.869A>G on transcript NM_016123.4 (MANE Select); coding-DNA position 869, A replaced by G.
Protein change: p.Lys290Arg; replaces lysine 290 with arginine.
Molecular consequence: missense variant.
Genome position (GRCh38, 1-based): chr12:43,778,230, A>G. VCF-style: chr12-43778230-A-G. GRCh37 (hg19) VCF-style: chr12-44172033-A-G.
Other names: c.869A>G, p.Lys290Arg (NM_001114182.3, NM_001351345.2); c.497A>G, p.Lys166Arg (NM_001145256.2, NM_001145257.2, NM_001145258.2 and 5 more transcripts); c.260A>G, p.Lys87Arg (NM_001351343.2, NM_001351344.2); short protein forms K166R, K290R, K87R.
Identifiers: ClinVar variation 965545 (VCV000965545.7), dbSNP rs1941465718, ClinGen allele CA384474958.
Genomic context (GRCh38, chr12:43,778,230, plus strand): 5'-AATTTGGTTTATTTCTTTATAAGGATGGTACTCCACCACTTTCTTGGCACATGAGATGCA[A>G]GATTGCTCAGGGTGCAGCTAATGGCATCAATTTTCTACATGAAAATCATCATATTCATAG-3'
Protein context (NP_057207.2, residues 280-300): TPPLSWHMRC[Lys290Arg]IAQGAANGIN